The following is an entry in ClinVar:

ClinVar aggregate classification (germline): Conflicting classifications of pathogenicity. Review status: criteria provided, conflicting classifications (1 of 4 stars). 3 submissions from 3 submitters: Uncertain significance (2); Likely benign (1). Last evaluated 2024-04-18.

Conditions:
Severe combined immunodeficiency due to DNA-PKcs deficiency. Also called: IMMUNODEFICIENCY 26 WITH NEUROLOGIC ABNORMALITIES; Immunodeficiency 26 with or without neurologic abnormalities. Identifiers: Orphanet 317425, MedGen C4014833, MONDO:0014423, OMIM 615966.

Allele frequency attached by ClinVar (database versions not stated): gnomAD exomes 0.00003 and 0.00008; ExAC 0.00012; TOPMed 0.00022; ESP Exome Variant Server 0.00024; gnomAD 0.00026 and 0.00027; 1000 Genomes Project 30x 0.00047; 1000 Genomes Project 0.00060.
gnomAD v4.1: 80 of 1,613,450 alleles (0.005%); highest among the groups gnomAD compares: African/African-American, 0.081%; no homozygotes.

Submissions (3):

GeneDx
Classification: Uncertain significance. Last evaluated: 2024-04-18. Review status: criteria provided, single submitter. Criteria: GeneDx Variant Classification Process June 2021. Collection method: clinical testing. Allele origin: germline. Affected: yes.
Comment: In silico analysis supports that this missense variant has a deleterious effect on protein structure/function; Has not been previously published as pathogenic or benign to our knowledge

Labcorp Genetics (formerly Invitae), Labcorp
Classification: Uncertain significance for Severe combined immunodeficiency due to DNA-PKcs deficiency. Last evaluated: 2022-06-28. Review status: criteria provided, single submitter. Criteria: Invitae Variant Classification Sherloc (09022015). Collection method: clinical testing. Allele origin: germline.
Comment: This sequence change replaces proline, which is neutral and non-polar, with leucine, which is neutral and non-polar, at codon 2110 of the PRKDC protein (p.Pro2110Leu). This variant is present in population databases (rs191514502, gnomAD 0.09%). This variant has not been reported in the literature in individuals affected with PRKDC-related conditions. ClinVar contains an entry for this variant (Variation ID: 965227). Algorithms developed to predict the effect of missense changes on protein structure and function output the following: SIFT: "Not Available"; PolyPhen-2: "Not Available"; Align-GVGD: "Not Available". The leucine amino acid residue is found in multiple mammalian species, which suggests that this missense change does not adversely affect protein function. In summary, the available evidence is currently insufficient to determine the role of this variant in disease. Therefore, it has been classified as a Variant of Uncertain Significance.

Blueprint Genetics
Classification: Likely benign. Last evaluated: 2022-02-10. Review status: criteria provided, single submitter. Criteria: ACMG Guidelines, 2015. Collection method: clinical testing. Allele origin: germline.

NM_006904.7(PRKDC):c.6329C>T (p.Pro2110Leu)

Gene: PRKDC (protein kinase, DNA-activated, catalytic subunit; minus strand). Cytogenetic location: 8q11.21.
Variant type: single nucleotide variant.
Coding change: c.6329C>T on transcript NM_006904.7 (MANE Select); coding-DNA position 6329, C replaced by T.
Protein change: p.Pro2110Leu; replaces proline 2110 with leucine.
Molecular consequence: missense variant.
Genome position (GRCh38, 1-based): chr8:47,858,865, G>A on the plus strand (C>T on the coding strand, the complement: PRKDC is on the minus strand). VCF-style: chr8-47858865-G-A. GRCh37 (hg19) VCF-style: chr8-48771426-G-A.
Other names: c.6329C>T, p.Pro2110Leu (NM_001081640.2); short protein forms P2110L.
Identifiers: ClinVar variation 965227 (VCV000965227.7), dbSNP rs191514502, ClinGen allele CA4740388.
Genomic context (GRCh38, chr8:47,858,865, plus strand): 5'-CCAATGAATATAGTATTAACAGGTAAGATGAGTGGGAAAAGCACCTCTTCTCCTTGAGGC[G>A]GGCCCAGGCTTCTGTGCATGTGCTTGACCAGGGCCGTCAGGGGCGCCATGCACTCATGCC-3'
Protein context (NP_008835.5, residues 2100-2120): LVKHMHRSLG[Pro2110Leu]PQGEEDSVPR